The following is an entry in ClinVar:

NM_022765.4(MICAL1):c.637G>A (p.Val213Ile)

Gene: MICAL1 (microtubule associated monooxygenase, calponin and LIM domain containing 1; minus strand). Cytogenetic location: 6q21.
Variant type: single nucleotide variant.
Coding change: c.637G>A on transcript NM_022765.4 (MANE Select); coding-DNA position 637, G replaced by A.
Protein change: p.Val213Ile; replaces valine 213 with isoleucine.
Molecular consequence: missense variant.
Genome position (GRCh38, 1-based): chr6:109,452,550, C>T on the plus strand (G>A on the coding strand, the complement: MICAL1 is on the minus strand). VCF-style: chr6-109452550-C-T. GRCh37 (hg19) VCF-style: chr6-109773753-C-T.
Other names: c.637G>A (NM_022765.3); c.637G>A, p.Val213Ile (NM_001159291.2); c.694G>A, p.Val232Ile (NM_001286613.2); short protein forms V213I, V232I.
Identifiers: ClinVar variation 1508707 (VCV001508707.7), dbSNP rs754526970, ClinGen allele CA3953689.
Genomic context (GRCh38, chr6:109,452,550, plus strand): 5'-TTGAGGGAAGTGATCACTCACCTTCAGGGACGAATTTACCTCCTGCAGCCGAGATAAGGA[C>T]GTCAAATTCATAGTTGGCCAGCTGGGCAGGGGGGTTGGGTTGGAGCTGGGCACGCCAGCC-3'
Protein context (NP_073602.3, residues 203-223): PAQLANYEFD[Val213Ile]LISAAGGKFV

ClinVar aggregate classification (germline): Uncertain significance. Review status: criteria provided, multiple submitters, no conflicts (2 of 4 stars). 2 submissions from 2 submitters: Uncertain significance (2). Last evaluated 2025-12-15.

Allele frequency attached by ClinVar (database versions not stated): gnomAD exomes 0.00003 and 0.00010; gnomAD 0.00004; TOPMed 0.00005; ExAC 0.00007.
gnomAD v4.1: 46 of 1,613,658 alleles (0.0029%); highest among the groups gnomAD compares: Admixed American, 0.028%; no homozygotes.

Submissions (2):

Labcorp Genetics (formerly Invitae), Labcorp
Classification: Uncertain significance. Last evaluated: 2025-12-15. Review status: criteria provided, single submitter. Criteria: Invitae Variant Classification Sherloc (09022015). Collection method: clinical testing. Allele origin: germline.
Comment: This sequence change replaces valine, which is neutral and non-polar, with isoleucine, which is neutral and non-polar, at codon 232 of the MICAL1 protein (p.Val232Ile). This variant is present in population databases (rs754526970, gnomAD 0.04%), and has an allele count higher than expected for a pathogenic variant. This variant has not been reported in the literature in individuals affected with MICAL1-related conditions. ClinVar contains an entry for this variant (Variation ID: 1508707). An algorithm developed to predict the effect of missense changes on protein structure and function (PolyPhen-2) suggests that this variant is likely to be tolerated. In summary, the available evidence is currently insufficient to determine the role of this variant in disease. Therefore, it has been classified as a Variant of Uncertain Significance.

Ambry Genetics
Classification: Uncertain significance. Last evaluated: 2024-01-19. Review status: criteria provided, single submitter. Criteria: Ambry Variant Classification Scheme 2023. Collection method: clinical testing. Allele origin: germline.